The following is an entry in ClinVar:

ClinVar aggregate classification (germline): Pathogenic (1 of 4 stars; one submission).

Conditions:
Neutropenia, severe congenital, 1, autosomal dominant. Identifiers: MedGen C1859966, MONDO:0042490, OMIM 202700.
Cyclical neutropenia. Also called: Cyclic Neutropenia; Cyclic hematopoiesis. Identifiers: Orphanet 2686, MedGen C0221023, MONDO:0008090, OMIM 162800, HP:0040289. Disease mechanism: loss of function.

Submission:

Labcorp Genetics (formerly Invitae), Labcorp
Classification: Pathogenic for Neutropenia, severe congenital, 1, autosomal dominant; Cyclical neutropenia. Last evaluated: 2025-08-30. Review status: criteria provided, single submitter. Criteria: Invitae Variant Classification Sherloc (09022015). Collection method: clinical testing. Allele origin: germline.
Comment: This sequence change falls in intron 4 of the ELANE gene. It does not directly change the encoded amino acid sequence of the ELANE protein. It affects a nucleotide within the consensus splice site. This variant is not present in population databases (gnomAD no frequency). This variant has been observed in individuals with neutropenia (PMID: 23463630, 25912133; internal data). It has also been observed to segregate with disease in related individuals. ClinVar contains an entry for this variant (Variation ID: 1069597). Variants that disrupt the consensus splice site are a relatively common cause of aberrant splicing (PMID: 17576681, 9536098). Algorithms developed to predict the effect of sequence changes on RNA splicing suggest that this variant may disrupt the consensus splice site. This variant disrupts the c.597+5G nucleotide in the ELANE gene. Other variant(s) that disrupt this nucleotide have been determined to be pathogenic (PMID: 10581030, 20049848, 23463630, 30040071). This suggests that this nucleotide is clinically significant, and that variants that disrupt this position are likely to be disease-causing. For these reasons, this variant has been classified as Pathogenic.

Literature cited by the submitters: PubMed 23463630; PubMed 25912133; PubMed 17576681; PubMed 9536098; PubMed 10581030; PubMed 20049848; PubMed 30040071.

NM_001972.4(ELANE):c.597+5G>T

Gene: ELANE (elastase, neutrophil expressed; plus strand). Cytogenetic location: 19p13.3.
Variant type: single nucleotide variant.
Coding change: c.597+5G>T on transcript NM_001972.4 (MANE Select); 5 bases into the intron after coding-DNA position 597, G replaced by T.
Molecular consequence: intron variant.
Genome position (GRCh38, 1-based): chr19:855,799, G>T. VCF-style: chr19-855799-G-T. GRCh37 (hg19) VCF-style: chr19-855799-G-T.
Identifiers: ClinVar variation 1069597 (VCV001069597.9), dbSNP rs879253882, ClinGen allele CA2499225649.
Genomic context (GRCh38, chr19:855,799, plus strand): 5'-GCCGTCGCAGCAACGTCTGCACTCTCGTGAGGGGCCGGCAGGCCGGCGTCTGTTTCGTAC[G>T]TGCCCTGGGTGTCCCTCTGCTCCCCACCCGCTCCCAGCCCGGACTGCAGCAACAGGCACC-3'